The following is an entry in ClinVar:

NM_001365536.1(SCN9A):c.5563G>A (p.Glu1855Lys)

Genes: SCN1A-AS1 (SCN1A and SCN9A antisense RNA 1; plus strand), SCN9A (sodium voltage-gated channel alpha subunit 9; minus strand). Cytogenetic location: 2q24.3.
Variant type: single nucleotide variant.
Coding change: c.5563G>A on transcript NM_001365536.1 (MANE Select); coding-DNA position 5563, G replaced by A.
Protein change: p.Glu1855Lys; replaces glutamic acid 1855 with lysine.
Molecular consequence: missense variant.
Genome position (GRCh38, 1-based): chr2:166,199,076, C>T on the plus strand (G>A on the coding strand, the complement: SCN9A is on the minus strand). VCF-style: chr2-166199076-C-T. GRCh37 (hg19) VCF-style: chr2-167055586-C-T.
Other names: c.5530G>A, p.Glu1844Lys (NM_002977.4); short protein forms E1844K, E1855K.
Identifiers: ClinVar variation 234834 (VCV000234834.7), dbSNP rs876661248, ClinGen allele CA10577238.

ClinVar aggregate classification (germline): Uncertain significance. Review status: criteria provided, multiple submitters, no conflicts (2 of 4 stars). 2 submissions from 2 submitters: Uncertain significance (2). Last evaluated 2024-03-26.

Conditions:
Generalized epilepsy with febrile seizures plus, type 7 (GEFSP7). Also called: GEFS+, TYPE 7. Identifiers: Orphanet 36387, MedGen C2751778, MONDO:0013470, OMIM 613863.
Neuropathy, hereditary sensory and autonomic, type 2A (HSAN2A). Also called: MORVAN DISEASE; WNK1-Related HSAN2 (HSAN2A); NEUROPATHY, CONGENITAL SENSORY; NEUROPATHY, HEREDITARY SENSORY RADICULAR, AUTOSOMAL RECESSIVE; NEUROPATHY, HEREDITARY SENSORY, TYPE IIA; NEUROPATHY, PROGRESSIVE SENSORY, OF CHILDREN. Identifiers: Orphanet 970, MedGen C2752089, MONDO:0024309, OMIM 201300.

Allele frequency attached by ClinVar (database versions not stated): gnomAD exomes below 0.00001; TOPMed below 0.00001; gnomAD 0.00001.
gnomAD v4.1: 3 of 1,613,966 alleles (0.00019%); highest among the groups gnomAD compares: Non-Finnish European, 0.00025%; no homozygotes.

Submissions (2):

Labcorp Genetics (formerly Invitae), Labcorp
Classification: Uncertain significance for Neuropathy, hereditary sensory and autonomic, type 2A; Generalized epilepsy with febrile seizures plus, type 7. Last evaluated: 2024-03-26. Review status: criteria provided, single submitter. Criteria: Invitae Variant Classification Sherloc (09022015). Collection method: clinical testing. Allele origin: germline.
Comment: This sequence change replaces glutamic acid, which is acidic and polar, with lysine, which is basic and polar, at codon 1844 of the SCN9A protein (p.Glu1844Lys). This variant is not present in population databases (gnomAD no frequency). This variant has not been reported in the literature in individuals affected with SCN9A-related conditions. ClinVar contains an entry for this variant (Variation ID: 234834). Advanced modeling of protein sequence and biophysical properties (such as structural, functional, and spatial information, amino acid conservation, physicochemical variation, residue mobility, and thermodynamic stability) performed at Invitae indicates that this missense variant is not expected to disrupt SCN9A protein function with a negative predictive value of 95%. In summary, the available evidence is currently insufficient to determine the role of this variant in disease. Therefore, it has been classified as a Variant of Uncertain Significance.

GeneDx
Classification: Uncertain significance. Last evaluated: 2016-02-26. Review status: criteria provided, single submitter. Criteria: GeneDx Variant Classification (06012015). Collection method: clinical testing. Allele origin: germline. Affected: yes.
Comment: The E1844K variant has not been published as a pathogenic variant, nor has it been reported as a benign variant to our knowledge. It was not observed in approximately 6,500 individuals of European and African American ancestry in the NHLBI Exome Sequencing Project, indicating it is not a common benign variant in these populations. The E1844K variant is a non-conservative amino acid substitution, which is likely to impact secondary protein structure as these residues differ in polarity, charge, size and/or other properties. This substitution occurs at a position that is conserved in mammals, and in silico analysis predicts this variant is probably damaging to the protein structure/function. However, missense variants in nearby residues have not been reported in Human Gene Mutation Database in association with SCN9A-related disorders (Stenson et al., 2014). Therefore, based on the currently available information, it is unclear whether this variant is a pathogenic variant or a rare benign variant.